The following is an entry in ClinVar:

NM_004714.3(DYRK1B):c.927A>C (p.Gly309=)

Gene: DYRK1B (dual specificity tyrosine phosphorylation regulated kinase 1B; minus strand). Cytogenetic location: 19q13.2.
Variant type: single nucleotide variant.
Coding change: c.927A>C on transcript NM_004714.3 (MANE Select); coding-DNA position 927, A replaced by C.
Protein change: p.Gly309=; no amino-acid change (glycine 309 retained).
Molecular consequence: synonymous variant.
Genome position (GRCh38, 1-based): chr19:39,827,537, T>G on the plus strand (A>C on the coding strand, the complement: DYRK1B is on the minus strand). VCF-style: chr19-39827537-T-G. GRCh37 (hg19) VCF-style: chr19-40318177-T-G.
Other names: c.927A>C, p.Gly309= (NM_006483.3, NM_006484.3).
Identifiers: ClinVar variation 3354245 (VCV003354245.1).

ClinVar aggregate classification (germline): Likely benign (0 of 4 stars; one submission).

Conditions:
DYRK1B-related disorder. Also called: DYRK1B-related condition.

gnomAD v4.1: 1 of 1,613,904 alleles (0.000062%); highest among the groups gnomAD compares: African/African-American, 0.0013%; no homozygotes.

Submission:

PreventionGenetics, part of Exact Sciences
Classification: Likely benign for DYRK1B-related condition. Last evaluated: 2022-05-25. Review status: no assertion criteria provided. Collection method: clinical testing. Allele origin: germline.
Comment: This variant is classified as likely benign based on ACMG/AMP sequence variant interpretation guidelines (Richards et al. 2015 PMID: 25741868, with internal and published modifications).